The following is an entry in ClinVar:

NM_006412.4(AGPAT2):c.835T>C (p.Ter279Gln)

Gene: AGPAT2 (1-acylglycerol-3-phosphate O-acyltransferase 2; minus strand). Cytogenetic location: 9q34.3.
Variant type: single nucleotide variant.
Coding change: c.835T>C on transcript NM_006412.4 (MANE Select); coding-DNA position 835, T replaced by C.
Protein change: p.Ter279Gln.
Molecular consequence: stop lost.
Genome position (GRCh38, 1-based): chr9:136,673,754, A>G on the plus strand (T>C on the coding strand, the complement: AGPAT2 is on the minus strand). VCF-style: chr9-136673754-A-G. GRCh37 (hg19) VCF-style: chr9-139568206-A-G.
Other names: c.739T>C, p.Ter247Gln (NM_001012727.2).
Identifiers: ClinVar variation 2429219 (VCV002429219.3), dbSNP rs1846044021, ClinGen allele CA375576052.
Genomic context (GRCh38, chr9:136,673,754, plus strand): 5'-TCCTCCAGCCATCGGCTTCCACCTGCCCTCCCCAGGTCATGCCCTGCCGTGGTCTGGGCT[A>G]CTGGGCCGGCTGCACGCCAGACCCCGCAGTGGCCCCGTTCTCCTGGGGGGTCTTGGAGAT-3'

ClinVar aggregate classification (germline): Uncertain significance (1 of 4 stars; one submission).

Allele frequency attached by ClinVar (database versions not stated): gnomAD exomes below 0.00001; TOPMed below 0.00001.
gnomAD v4.1: 1 of 1,588,582 alleles (0.000063%); highest among the groups gnomAD compares: Admixed American, 0.0018%; no homozygotes.

Submission:

Women's Health and Genetics/Laboratory Corporation of America, LabCorp
Classification: Uncertain significance. Last evaluated: 2023-01-27. Review status: criteria provided, single submitter. Criteria: LabCorp Variant Classification Summary - May 2015. Collection method: clinical testing. Allele origin: germline.
Comment: Variant summary: AGPAT2 c.835T>C (p.X279GlnextX87) changes the termination codon and is predicted to lead to an extended protein with additional amino acids added to the normal C-terminus. AGPAT2 c.835T>C (p.X279GlnextX87) causes a frameshift which results in an extension of the protein. The variant was absent in 219768 control chromosomes. To our knowledge, no occurrence of c.835T>C in individuals affected with Congenital Generalized Lipodystrophy and no experimental evidence demonstrating its impact on protein function have been reported. No clinical diagnostic laboratories have submitted clinical-significance assessments for this variant to ClinVar after 2014. However, HGMD (accession: CD2028227) reported an additional protein-extension variant (c.792_805delGGAGAACGGGGCCA (p.Gln264Hisfs*208)) associated with Congenital Generalized Lipodystrophy found in a patient with the disease who also carried the known pathogenic variant c.335C>T (p.P112L) (PMID: 32924125). Based on the evidence outlined above, the variant was classified as VUS-possibly pathogenic.